The following is an entry in ClinVar:

ClinVar aggregate classification (germline): Likely benign. Review status: criteria provided, multiple submitters, no conflicts (2 of 4 stars). 3 submissions from 3 submitters: Likely benign (3). Last evaluated 2025-10-31.

Conditions:
Autosomal recessive limb-girdle muscular dystrophy type 2J (LGMDR10). Also called: Limb-girdle muscular dystrophy, type 2J; MUSCULAR DYSTROPHY, LIMB-GIRDLE, AUTOSOMAL RECESSIVE 10. Identifiers: Orphanet 140922, MedGen C1837342, MONDO:0012127, OMIM 608807.
Dilated cardiomyopathy 1G (CMD1G). Identifiers: Orphanet 154, MedGen C1858763, MONDO:0011400, OMIM 604145.
TTN-related disorder. Also called: TTN-related condition; TTN-related disease; TTN-related disorders.

Allele frequency attached by ClinVar (database versions not stated): gnomAD exomes 0.00003 and 0.00004; TOPMed 0.00013; gnomAD 0.00016 and 0.00017.
gnomAD v4.1: 41 of 1,613,624 alleles (0.0025%); highest among the groups gnomAD compares: Admixed American, 0.058%; no homozygotes.

Submissions (3):

Labcorp Genetics (formerly Invitae), Labcorp
Classification: Likely benign for Dilated cardiomyopathy 1G; Autosomal recessive limb-girdle muscular dystrophy type 2J. Last evaluated: 2025-10-31. Review status: criteria provided, single submitter. Criteria: Invitae Variant Classification Sherloc (09022015). Collection method: clinical testing. Allele origin: germline.

PreventionGenetics, part of Exact Sciences
Classification: Likely benign for TTN-related condition. Last evaluated: 2025-08-13. Review status: criteria provided, single submitter. Criteria: ACMG Guidelines, 2015. Collection method: clinical testing. Allele origin: germline.
Comment: This variant is classified as likely benign based on ACMG/AMP sequence variant interpretation guidelines (Richards et al. 2015 PMID: 25741868, with internal and published modifications).

Laboratory for Molecular Medicine, Mass General Brigham Personalized Medicine
Classification: Likely benign. Last evaluated: 2017-01-23. Review status: criteria provided, single submitter. Criteria: LMM Criteria. Collection method: clinical testing. Allele origin: germline. Observed: 1 variant allele.
Comment: p.Ser3532Ser in Exon44B of TTN: This variant is not expected to have clinical si gnificance because it does not alter an amino acid residue and is not located wi thin the splice consensus sequence. It was absent from large population studies.

NM_001267550.2(TTN):c.11109C>T (p.Ser3703=)

Gene: TTN (titin; minus strand). Cytogenetic location: 2q31.2.
Variant type: single nucleotide variant.
Coding change: c.11109C>T on transcript NM_001267550.2 (MANE Select); coding-DNA position 11109, C replaced by T.
Protein change: p.Ser3703=; no amino-acid change (serine 3703 retained).
Molecular consequence: synonymous variant. On other transcripts: intron variant (5).
Genome position (GRCh38, 1-based): chr2:178,756,367, G>A on the plus strand (C>T on the coding strand, the complement: TTN is on the minus strand). VCF-style: chr2-178756367-G-A. GRCh37 (hg19) VCF-style: chr2-179621094-G-A.
Other names: c.10596C>T, p.Ser3532= (NM_133437.4); c.10165+2617C>T (NM_003319.4); c.10540+1175C>T (NM_133432.3); c.10303+2617C>T (NM_133378.4, NM_001256850.1, NM_133379.5).
Identifiers: ClinVar variation 517259 (VCV000517259.15), dbSNP rs879160199, ClinGen allele CA60993152.
Genomic context (GRCh38, chr2:178,756,367, plus strand): 5'-CTGAACATTACATATGGTAAGAAACTGAATATTTCCATTTTGTGATTGTTTCAGTCTCTC[G>A]GATTCCTCTATCTTTGCACCTTCGTGAGTCCAGGTTACATCAATGAAAGAATCATCTTTT-3'
Protein context (NP_001254479.2, residues 3693-3713): WTHEGAKIEE[Ser3703=]ERLKQSQNGN